The following is an entry in ClinVar:

NM_000152.5(GAA):c.55del (p.Val19fs)

Gene: GAA (alpha glucosidase; plus strand). Cytogenetic location: 17q25.3.
Variant type: Deletion.
Coding change: c.55del on transcript NM_000152.5 (MANE Select); coding-DNA position 55, one base deleted (G; older notation c.55delG).
Protein change: p.Val19fs; shifts the reading frame from valine 19.
Molecular consequence: frameshift variant.
Genome position (GRCh38, 1-based): chr17:80,104,641, G deleted. VCF-style (leftmost placement, unchanged base first): chr17-80104640-CG-C. GRCh37 (hg19) VCF-style: chr17-78078439-CG-C.
Other names: c.55del, p.Val19fs (NM_001079803.3, NM_001079804.3); c.55del (LRG_673t1); short protein forms V19fs.
Identifiers: ClinVar variation 555040 (VCV000555040.7), dbSNP rs1555598544, ClinGen allele CA658824772.

ClinVar aggregate classification (germline): Likely pathogenic. Review status: reviewed by expert panel (3 of 4 stars). 2 submissions from 2 submitters: Likely pathogenic (1). 1 of the submissions does not count toward it. Last evaluated 2026-07-21.

Conditions:
Glycogen storage disease, type II (IOPD). Also called: POMPE DISEASE, INFANTILE-ONSET; GLYCOGEN STORAGE DISEASE II, INFANTILE-ONSET; ACID ALPHA-GLUCOSIDASE DEFICIENCY, INFANTILE-ONSET; GAA DEFICIENCY, INFANTILE-ONSET; ACID MALTASE DEFICIENCY, INFANTILE-ONSET; Glycogen storage disease type 2. Identifiers: Orphanet 365, MedGen C0017921, MONDO:0009290, OMIM 232300.

Submissions (2):

ClinGen Lysosomal Storage Disorder Variant Curation Expert Panel
Classification: Likely pathogenic for Glycogen storage disease, type II. Last evaluated: 2026-07-21. Review status: reviewed by expert panel. Criteria: clingen_lsd_acmg_specifications_v2-1. Collection method: curation. Allele origin: germline. Inheritance: Autosomal recessive inheritance.
Comment: The NM_000152.5:c.55del (p.Val19CysfsTer24) variant in GAA is a frameshift variant predicted to cause a premature stop codon, leading to nonsense mediated decay in a gene in which loss-of-function is an established disease mechanism (PVS1). This variant is absent in gnomAD v4.1.0. (PM2_Supporting). To our knowledge, this variant has not been reported in the literature in individuals with Pompe disease, and results of experimental studies are not available. There is a ClinVar entry for this variant (Variation ID: 555040. The classification of this variant has been upgraded from Variant of Uncertain Significance to Likely Pathogenic based on the recommendations of the ClinGen Sequence Variant Interpretation Working Group, that a variant meeting PVS1 and PM2_Supporting is classified as Likely Pathogenic. In summary, this variant meets the criteria to be classified as Likely Pathogenic for Pompe disease. GAA-specific ACMG/AMP criteria met, based on the specifications of the ClinGen Lysosomal Diseases VCEP (Specifications Version 2.0): PVS1, PM2_Supporting. (Classification approved by the ClinGen Lysosomal Diseases VCEP, July 21, 2026).

Counsyl
Classification: Likely pathogenic for Glycogen storage disease, type II. Last evaluated: 2017-11-12. Review status: no assertion criteria provided. Collection method: clinical testing. Allele origin: unknown. Not counted in ClinVar's aggregate classification.